The following is an entry in ClinVar:

ClinVar aggregate classification (germline): Uncertain significance. Review status: criteria provided, multiple submitters, no conflicts (2 of 4 stars). 2 submissions from 2 submitters: Uncertain significance (2). Last evaluated 2026-08-03.

Conditions:
Neuroblastoma, susceptibility to, 3. Also called: ALK-Related Neuroblastic Tumor Susceptibility. Identifiers: Orphanet 635, MedGen C2751681, MONDO:0013083, OMIM 613014.
Hereditary cancer-predisposing syndrome. Also called: Neoplastic Syndromes, Hereditary; Hereditary Cancer Syndrome; Tumor predisposition; Hereditary neoplastic syndrome. Identifiers: Orphanet 140162, MedGen C0027672, MeSH D009386, MONDO:0015356.

gnomAD v4.1: 3 of 1,614,172 alleles (0.00019%); highest among the groups gnomAD compares: Non-Finnish European, 0.00025%; no homozygotes.

Submissions (2):

Ambry Genetics
Classification: Uncertain significance for Hereditary cancer-predisposing syndrome. Last evaluated: 2026-08-03. Review status: criteria provided, single submitter. Criteria: Ambry Variant Classification Scheme 2023. Collection method: clinical testing. Allele origin: germline.
Comment: The p.Y1604* variant (also known as c.4812C>A), located in coding exon 29 of the ALK gene, results from a C to A substitution at nucleotide position 4812. This changes the amino acid from a tyrosine to a stop codon within coding exon 29. This variant occurs at the 3' terminus of the gene and is not expected to trigger nonsense-mediated mRNA decay. Based on the available evidence, the clinical significance of this variant remains unclear.

Labcorp Genetics (formerly Invitae), Labcorp
Classification: Uncertain significance for Neuroblastoma, susceptibility to, 3. Last evaluated: 2025-09-28. Review status: criteria provided, single submitter. Criteria: Invitae Variant Classification Sherloc (09022015). Collection method: clinical testing. Allele origin: germline.
Comment: This sequence change creates a premature translational stop signal (p.Tyr1604*) in the ALK gene. While this is not anticipated to result in nonsense mediated decay, it is expected to disrupt the last 17 amino acid(s) of the ALK protein. This variant is present in population databases (rs753750497, gnomAD 0.0009%). This variant has not been reported in the literature in individuals affected with ALK-related conditions. ClinVar contains an entry for this variant (Variation ID: 404319). Experimental studies and prediction algorithms are not available or were not evaluated, and the functional significance of this variant is currently unknown. In summary, the available evidence is currently insufficient to determine the role of this variant in disease. Therefore, it has been classified as a Variant of Uncertain Significance.

NM_004304.5(ALK):c.4812C>A (p.Tyr1604Ter)

Gene: ALK (ALK receptor tyrosine kinase; minus strand). Cytogenetic location: 2p23.2.
Variant type: single nucleotide variant.
Coding change: c.4812C>A on transcript NM_004304.5 (MANE Select); coding-DNA position 4812, C replaced by A.
Protein change: p.Tyr1604Ter; replaces tyrosine 1604 with a stop codon.
Molecular consequence: nonsense.
Genome position (GRCh38, 1-based): chr2:29,193,275, G>T on the plus strand (C>A on the coding strand, the complement: ALK is on the minus strand). VCF-style: chr2-29193275-G-T. GRCh37 (hg19) VCF-style: chr2-29416141-G-T.
Other names: c.1608C>A, p.Tyr536Ter (NM_001353765.2); short protein forms Y1604*, Y536*.
Identifiers: ClinVar variation 404319 (VCV000404319.13), dbSNP rs753750497, ClinGen allele CA1593472.